The following is an entry in ClinVar:

ClinVar aggregate classification (germline): Uncertain significance (1 of 4 stars; one submission).

Conditions:
Primary ciliary dyskinesia 6. Also called: Primary Ciliary Dyskinesia 6: TXNDC3-Related Primary Ciliary Dyskinesia. Identifiers: Orphanet 244, MedGen C1970506, MONDO:0012571, OMIM 610852.

Submission:

Labcorp Genetics (formerly Invitae), Labcorp
Classification: Uncertain significance for Primary ciliary dyskinesia 6. Last evaluated: 2022-06-20. Review status: criteria provided, single submitter. Criteria: Invitae Variant Classification Sherloc (09022015). Collection method: clinical testing. Allele origin: germline.
Comment: This sequence change creates a premature translational stop signal (p.Lys51*) in the NME8 gene. It is expected to result in an absent or disrupted protein product. However, the current clinical and genetic evidence is not sufficient to establish whether loss-of-function variants in NME8 cause disease. This variant is not present in population databases (gnomAD no frequency). This variant has not been reported in the literature in individuals affected with NME8-related conditions. In summary, the available evidence is currently insufficient to determine the role of this variant in disease. Therefore, it has been classified as a Variant of Uncertain Significance.

NM_016616.5(NME8):c.151A>T (p.Lys51Ter)

Gene: NME8 (NME/NM23 family member 8; plus strand). Cytogenetic location: 7p14.1.
Variant type: single nucleotide variant.
Coding change: c.151A>T on transcript NM_016616.5 (MANE Select); coding-DNA position 151, A replaced by T.
Protein change: p.Lys51Ter; replaces lysine 51 with a stop codon.
Molecular consequence: nonsense.
Genome position (GRCh38, 1-based): chr7:37,850,688, A>T. VCF-style: chr7-37850688-A-T. GRCh37 (hg19) VCF-style: chr7-37890290-A-T.
Other names: short protein forms K51*.
Identifiers: ClinVar variation 1493664 (VCV001493664.6), dbSNP rs2131937755, ClinGen allele CA367219514.